The following is an entry in ClinVar:

NM_000260.4(MYO7A):c.3179C>T (p.Ala1060Val)

Gene: MYO7A (myosin VIIA; plus strand). Cytogenetic location: 11q13.5.
Variant type: single nucleotide variant.
Coding change: c.3179C>T on transcript NM_000260.4 (MANE Select); coding-DNA position 3179, C replaced by T.
Protein change: p.Ala1060Val; replaces alanine 1060 with valine.
Molecular consequence: missense variant.
Genome position (GRCh38, 1-based): chr11:77,182,494, C>T. VCF-style: chr11-77182494-C-T. GRCh37 (hg19) VCF-style: chr11-76893539-C-T.
Other names: c.3179C>T (NM_000260.3); c.3179C>T, p.Ala1060Val (NM_001127180.2); c.3146C>T, p.Ala1049Val (NM_001369365.1); short protein forms A1049V, A1060V.
Identifiers: ClinVar variation 2914960 (VCV002914960.5), dbSNP rs1955325024, ClinGen allele CA381944761.

ClinVar aggregate classification (germline): Uncertain significance. Review status: criteria provided, multiple submitters, no conflicts (2 of 4 stars). 3 submissions from 3 submitters: Uncertain significance (3). Last evaluated 2026-07-28.

Conditions:
Inborn genetic diseases. Identifiers: MedGen C0950123, MeSH D030342.

Submissions (3):

Ambry Genetics
Classification: Uncertain significance for Inborn genetic diseases. Last evaluated: 2026-07-28. Review status: criteria provided, single submitter. Criteria: Ambry Variant Classification Scheme 2023. Collection method: clinical testing. Allele origin: germline.

GeneDx
Classification: Uncertain significance. Last evaluated: 2024-08-08. Review status: criteria provided, single submitter. Criteria: GeneDx Variant Classification Process June 2021. Collection method: clinical testing. Allele origin: germline. Affected: yes.
Comment: Not observed at significant frequency in large population cohorts (gnomAD); In silico analysis indicates that this missense variant does not alter protein structure/function; Has not been previously published as pathogenic or benign to our knowledge

Labcorp Genetics (formerly Invitae), Labcorp
Classification: Uncertain significance. Last evaluated: 2023-09-01. Review status: criteria provided, single submitter. Criteria: Invitae Variant Classification Sherloc (09022015). Collection method: clinical testing. Allele origin: germline.
Comment: This sequence change replaces alanine, which is neutral and non-polar, with valine, which is neutral and non-polar, at codon 1060 of the MYO7A protein (p.Ala1060Val). In summary, the available evidence is currently insufficient to determine the role of this variant in disease. Therefore, it has been classified as a Variant of Uncertain Significance. Advanced modeling of protein sequence and biophysical properties (such as structural, functional, and spatial information, amino acid conservation, physicochemical variation, residue mobility, and thermodynamic stability) performed at Invitae indicates that this missense variant is not expected to disrupt MYO7A protein function. This variant has not been reported in the literature in individuals affected with MYO7A-related conditions. This variant is not present in population databases (gnomAD no frequency).